The following is an entry in ClinVar:

ClinVar aggregate classification (germline): Conflicting classifications of pathogenicity. Review status: criteria provided, conflicting classifications (1 of 4 stars). 3 submissions from 3 submitters: Uncertain significance (2); Likely benign (1). Last evaluated 2025-08-11.

Conditions:
Hereditary cancer-predisposing syndrome. Also called: Hereditary neoplastic syndrome; Neoplastic Syndromes, Hereditary; Tumor predisposition; Hereditary Cancer Syndrome. Identifiers: Orphanet 140162, MedGen C0027672, MeSH D009386, MONDO:0015356.
Colorectal cancer. Also called: Malignant Colorectal Neoplasm; Colorectal cancer, somatic. Identifiers: MedGen C0346629, MONDO:0005575, OMIM 114500.
Oligodontia-cancer predisposition syndrome. Also called: TOOTH AGENESIS-COLORECTAL CANCER SYNDROME. Identifiers: Orphanet 300576, MedGen C1837750, MONDO:0012075, OMIM 608615. Disease mechanism: loss of function.

Allele frequency attached by ClinVar (database versions not stated): ExAC 0.00001; gnomAD exomes 0.00001 and 0.00004; TOPMed 0.00005; gnomAD 0.00013.
gnomAD v4.1: 28 of 1,612,310 alleles (0.0017%); highest among the groups gnomAD compares: Admixed American, 0.042%; no homozygotes.

Submissions (3):

Labcorp Genetics (formerly Invitae), Labcorp
Classification: Uncertain significance for Oligodontia-cancer predisposition syndrome. Last evaluated: 2025-08-11. Review status: criteria provided, single submitter. Criteria: Invitae Variant Classification Sherloc (09022015). Collection method: clinical testing. Allele origin: germline.
Comment: This sequence change replaces valine, which is neutral and non-polar, with glycine, which is neutral and non-polar, at codon 40 of the AXIN2 protein (p.Val40Gly). This variant is present in population databases (rs781560435, gnomAD 0.02%). This variant has not been reported in the literature in individuals affected with AXIN2-related conditions. ClinVar contains an entry for this variant (Variation ID: 1002996). Invitae Evidence Modeling of protein sequence and biophysical properties (such as structural, functional, and spatial information, amino acid conservation, physicochemical variation, residue mobility, and thermodynamic stability) indicates that this missense variant is not expected to disrupt AXIN2 protein function with a negative predictive value of 80%. In summary, the available evidence is currently insufficient to determine the role of this variant in disease. Therefore, it has been classified as a Variant of Uncertain Significance.

Baylor Genetics
Classification: Uncertain significance for Colorectal cancer. Last evaluated: 2023-10-31. Review status: criteria provided, single submitter. Criteria: ACMG Guidelines, 2015. Collection method: clinical testing. Allele origin: unknown.

Ambry Genetics
Classification: Likely benign for Hereditary cancer-predisposing syndrome. Last evaluated: 2023-05-18. Review status: criteria provided, single submitter. Criteria: Ambry Variant Classification Scheme 2023. Collection method: clinical testing. Allele origin: germline.

NM_004655.4(AXIN2):c.119T>G (p.Val40Gly)

Gene: AXIN2 (axin 2; minus strand). Cytogenetic location: 17q24.1.
Variant type: single nucleotide variant.
Coding change: c.119T>G on transcript NM_004655.4 (MANE Select); coding-DNA position 119, T replaced by G.
Protein change: p.Val40Gly; replaces valine 40 with glycine.
Molecular consequence: missense variant.
Genome position (GRCh38, 1-based): chr17:65,558,502, A>C on the plus strand (T>G on the coding strand, the complement: AXIN2 is on the minus strand). VCF-style: chr17-65558502-A-C. GRCh37 (hg19) VCF-style: chr17-63554620-A-C.
Other names: c.119T>G, p.Val40Gly (NM_001363813.1); short protein forms V40G.
Identifiers: ClinVar variation 1002996 (VCV001002996.10), dbSNP rs781560435, ClinGen allele CA8719101.